The following is an entry in ClinVar:

ClinVar aggregate classification (germline): Uncertain significance (1 of 4 stars; one submission).

Allele frequency attached by ClinVar (database versions not stated): gnomAD exomes below 0.00001.

Submission:

Labcorp Genetics (formerly Invitae), Labcorp
Classification: Uncertain significance. Last evaluated: 2019-06-12. Review status: criteria provided, single submitter. Criteria: Invitae Variant Classification Sherloc (09022015). Collection method: clinical testing. Allele origin: germline.
Comment: This variant is not present in population databases (ExAC no frequency). In summary, the available evidence is currently insufficient to determine the role of this variant in disease. Therefore, it has been classified as a Variant of Uncertain Significance. Algorithms developed to predict the effect of missense changes on protein structure and function are either unavailable or do not agree on the potential impact of this missense change (SIFT: "Deleterious"; PolyPhen-2: "Possibly Damaging"; Align-GVGD: "Class C0"). This variant has not been reported in the literature in individuals with POLE-related disease. ClinVar contains an entry for this variant (Variation ID: 405745). This sequence change replaces serine with phenylalanine at codon 2034 of the POLE protein (p.Ser2034Phe). The serine residue is moderately conserved and there is a large physicochemical difference between serine and phenylalanine.

NM_006231.4(POLE):c.6101C>T (p.Ser2034Phe)

Gene: POLE (DNA polymerase epsilon, catalytic subunit; minus strand). Cytogenetic location: 12q24.33.
Variant type: single nucleotide variant.
Coding change: c.6101C>T on transcript NM_006231.4 (MANE Select); coding-DNA position 6101, C replaced by T.
Protein change: p.Ser2034Phe; replaces serine 2034 with phenylalanine.
Molecular consequence: missense variant.
Genome position (GRCh38, 1-based): chr12:132,632,699, G>A on the plus strand (C>T on the coding strand, the complement: POLE is on the minus strand). VCF-style: chr12-132632699-G-A. GRCh37 (hg19) VCF-style: chr12-133209285-G-A.
Other names: short protein forms S2034F.
Identifiers: ClinVar variation 405745 (VCV000405745.11), dbSNP rs1060500834, ClinGen allele CA16613546.